The following is an entry in ClinVar:

NM_000051.4(ATM):c.2134T>A (p.Ser712Thr)

Gene: ATM (ATM serine/threonine kinase; plus strand). Cytogenetic location: 11q22.3.
Variant type: single nucleotide variant.
Coding change: c.2134T>A on transcript NM_000051.4 (MANE Select); coding-DNA position 2134, T replaced by A.
Protein change: p.Ser712Thr; replaces serine 712 with threonine.
Molecular consequence: missense variant.
Genome position (GRCh38, 1-based): chr11:108,256,224, T>A. VCF-style: chr11-108256224-T-A. GRCh37 (hg19) VCF-style: chr11-108126951-T-A.
Other names: c.2134T>A, p.Ser712Thr (NM_001351834.2); short protein forms S712T.
Identifiers: ClinVar variation 954483 (VCV000954483.12), dbSNP rs1565394509, ClinGen allele CA382538668.

ClinVar aggregate classification (germline): Uncertain significance. Review status: criteria provided, multiple submitters, no conflicts (2 of 4 stars). 2 submissions from 2 submitters: Uncertain significance (2). Last evaluated 2022-03-16.

Conditions:
Hereditary cancer-predisposing syndrome. Also called: Hereditary neoplastic syndrome; Tumor predisposition; Neoplastic Syndromes, Hereditary; Hereditary Cancer Syndrome. Identifiers: Orphanet 140162, MedGen C0027672, MeSH D009386, MONDO:0015356.
Ataxia-telangiectasia syndrome (AT). Also called: LOUIS-BAR SYNDROME; Ataxia telangiectasia (A-T); Cerebello-oculocutaneous telangiectasia; Immunodeficiency with ataxia telangiectasia; ATAXIA-TELANGIECTASIA, COMPLEMENTATION GROUP A; ATAXIA-TELANGIECTASIA, FRESNO VARIANT. Identifiers: Orphanet 100, MedGen C0004135, MONDO:0008840, OMIM 208900.

Submissions (2):

Ambry Genetics
Classification: Uncertain significance for Hereditary cancer-predisposing syndrome. Last evaluated: 2022-03-16. Review status: criteria provided, single submitter. Criteria: Ambry Variant Classification Scheme 2023. Collection method: clinical testing. Allele origin: germline.
Comment: The p.S712T variant (also known as c.2134T>A), located in coding exon 13 of the ATM gene, results from a T to A substitution at nucleotide position 2134. The serine at codon 712 is replaced by threonine, an amino acid with similar properties. This amino acid position is conserved. In addition, this alteration is predicted to be tolerated by in silico analysis. Since supporting evidence is limited at this time, the clinical significance of this alteration remains unclear.

Labcorp Genetics (formerly Invitae), Labcorp
Classification: Uncertain significance for Ataxia-telangiectasia syndrome. Last evaluated: 2019-09-08. Review status: criteria provided, single submitter. Criteria: Invitae Variant Classification Sherloc (09022015). Collection method: clinical testing. Allele origin: germline.
Comment: In summary, the available evidence is currently insufficient to determine the role of this variant in disease. Therefore, it has been classified as a Variant of Uncertain Significance. Algorithms developed to predict the effect of missense changes on protein structure and function output the following: SIFT: "Tolerated"; PolyPhen-2: "Benign"; Align-GVGD: "Class C0". The threonine amino acid residue is found in multiple mammalian species, suggesting that this missense change does not adversely affect protein function. These predictions have not been confirmed by published functional studies and their clinical significance is uncertain. This variant has not been reported in the literature in individuals with ATM-related conditions. This variant is not present in population databases (ExAC no frequency). This sequence change replaces serine with threonine at codon 712 of the ATM protein (p.Ser712Thr). The serine residue is weakly conserved and there is a small physicochemical difference between serine and threonine.